The following is an entry in ClinVar:

ClinVar aggregate classification (germline): Likely pathogenic (1 of 4 stars; one submission).

Conditions:
Hereditary factor X deficiency disease. Also called: STUART-PROWER FACTOR DEFICIENCY; Congenital factor X deficiency. Identifiers: Orphanet 328, MedGen C0272327, MONDO:0009212, OMIM 227600.

Submission:

ISTH-SSC Genomics in Thrombosis and Hemostasis, KU Leuven, Center for Molecular and Vascular Biology
Classification: Likely pathogenic for Hereditary factor X deficiency disease. Review status: criteria provided, single submitter. Criteria: ACMG Guidelines, 2015. Collection method: clinical testing. Allele origin: germline. Affected: yes. Observed: 1 compound heterozygote.
Comment: Submitted to the GoldVariant database by Kathleen Freson, Center for Molecular and Vascular Biology

NM_000504.4(F10):c.119G>C (p.Arg40Thr)

Genes: F10 (coagulation factor X; plus strand), F10-AS1 (F10 antisense RNA 1; minus strand). Cytogenetic location: 13q34.
Variant type: single nucleotide variant.
Coding change: c.119G>C on transcript NM_000504.4 (MANE Select); coding-DNA position 119, G replaced by C.
Protein change: p.Arg40Thr; replaces arginine 40 with threonine.
Molecular consequence: missense variant.
Genome position (GRCh38, 1-based): chr13:113,129,500, G>C. VCF-style: chr13-113129500-G-C. GRCh37 (hg19) VCF-style: chr13-113783814-G-C.
Other names: c.119G>C, p.Arg40Thr (NM_001312674.2, NM_001312675.2); short protein forms R40T.
Identifiers: ClinVar variation 2572121 (VCV002572121.1), dbSNP rs2503081410, ClinGen allele CA388787496.
Genomic context (GRCh38, chr13:113,129,500, plus strand): 5'-CCTGCCTTCCAGTGTTCATCCGCAGGGAGCAGGCCAACAACATCCTGGCGAGGGTCACGA[G>C]GGCCAATTCCTTTCTTGAAGAGATGAAGAAAGGACACCTCGAAAGAGAGTGCATGGAAGA-3'
Protein context (NP_000495.1, residues 30-50): QANNILARVT[Arg40Thr]ANSFLEEMKK